The following is an entry in ClinVar:

ClinVar aggregate classification (germline): Pathogenic/Likely pathogenic. Review status: criteria provided, multiple submitters, no conflicts (2 of 4 stars). 6 submissions from 6 submitters: Pathogenic (3); Likely pathogenic (3). Last evaluated 2025-08-20.

Conditions:
Hereditary nonpolyposis colorectal neoplasms. Identifiers: MedGen C0009405, MeSH D003123.
Hereditary cancer-predisposing syndrome. Also called: Neoplastic Syndromes, Hereditary; Tumor predisposition; Hereditary Cancer Syndrome; Hereditary neoplastic syndrome. Identifiers: Orphanet 140162, MedGen C0027672, MeSH D009386, MONDO:0015356.
Lynch syndrome. Identifiers: Orphanet 144, MedGen C4552100, MONDO:0005835. Disease mechanism: loss of function.
Lynch syndrome 5 (LYNCH5). Also called: Colorectal cancer, hereditary nonpolyposis, type 5; Hereditary non-polyposis colorectal cancer, type 5. Identifiers: Orphanet 144, MedGen C1833477, MONDO:0013710, OMIM 614350. Disease mechanism: loss of function.

gnomAD v4.1: 1 of 1,606,938 alleles (0.000062%); no homozygotes.

Submissions (6):

Labcorp Genetics (formerly Invitae), Labcorp
Classification: Pathogenic for Hereditary nonpolyposis colorectal neoplasms. Last evaluated: 2025-08-20. Review status: criteria provided, single submitter. Criteria: Invitae Variant Classification Sherloc (09022015). Collection method: clinical testing. Allele origin: germline.
Comment: This sequence change replaces arginine, which is basic and polar, with proline, which is neutral and non-polar, at codon 1334 of the MSH6 protein (p.Arg1334Pro). RNA analysis indicates that this missense change induces altered splicing and likely disrupts the C-terminus of the protein. This variant is not present in population databases (gnomAD no frequency). This missense change has been observed in individuals with clinical features of Lynch syndrome (PMID: 36691871; internal data). ClinVar contains an entry for this variant (Variation ID: 233214). An algorithm developed to predict the effect of missense changes on protein structure and function (PolyPhen-2) suggests that this variant is likely to be disruptive. Variants that disrupt the consensus splice site are a relatively common cause of aberrant splicing (PMID: 17576681, 9536098). Studies have shown that this missense change results in skipping of exon 9 and introduces a new termination codon (PMID: 36691871). However the mRNA is not expected to undergo nonsense-mediated decay. This variant disrupts the c.4001G nucleotide in the MSH6 gene. Other variant(s) that disrupt this nucleotide have been determined to be pathogenic (PMID: 10508506, 21836479; internal data). This suggests that this nucleotide is clinically significant, and that variants that disrupt this position are likely to be disease-causing. For these reasons, this variant has been classified as Pathogenic.

Ambry Genetics
Classification: Pathogenic for Hereditary cancer-predisposing syndrome. Last evaluated: 2024-10-31. Review status: criteria provided, single submitter. Criteria: Ambry Variant Classification Scheme 2023. Collection method: clinical testing. Allele origin: germline.
Comment: The c.4001G>C pathogenic mutation (also known as p.R1334P), located in coding exon 9 of the MSH6 gene, results from a G to C substitution at nucleotide position 4001. The amino acid change results in arginine to proline at codon 1334, an amino acid with dissimilar properties. However, this change occurs in the last base pair of coding exon 9, which makes it likely to have some effect on normal mRNA splicing. This variant has been identified in a proband who met Amsterdam II criteria for Lynch syndrome and tumor demonstrated high microsatellite instability with loss of MSH6 expression by immunohistochemistry (Yang C et al. Mol Genet Genomic Med, 2023 Feb;11:e2104). This nucleotide position is well conserved in available vertebrate species. This variant is considered to be rare based on population cohorts in the Genome Aggregation Database (gnomAD). In silico splice site analysis predicts that this alteration will weaken the native splice donor site. RNA studies have demonstrated that this alteration results in abnormal splicing in the set of samples tested (Ambry internal data). Another alteration impacting the same donor site (c.4001G>A) has been shown to have a similar impact on splicing identified in several probands, one of whom has a Lynch syndrome-associated tumor that demonstrated loss of MSH6 expression by immunohistochemistry (Ambry internal data). Based on the supporting evidence, this alteration is interpreted as a disease-causing mutation.

Clinical Genetics Laboratory, Skane University Hospital Lund
Classification: Likely pathogenic for Lynch syndrome. Last evaluated: 2023-08-11. Review status: criteria provided, single submitter. Criteria: ACMG Guidelines, 2015. Collection method: clinical testing. Allele origin: germline. Inheritance: Autosomal dominant inheritance. Affected: yes.

Myriad Genetics, Inc.
Classification: Likely pathogenic for Lynch syndrome 5. Last evaluated: 2023-03-10. Review status: criteria provided, single submitter. Criteria: Myriad Autosomal Dominant, Autosomal Recessive and X-Linked Classification Criteria (2023). Collection method: clinical testing. Allele origin: unknown.
Comment: This variant is considered likely pathogenic. This variant has been reported in multiple individuals with clinical features of gene-specific disease [PMID: 36691871]. mRNA analysis has demonstrated abnormal mRNA splicing occurs [PMID: 36691871].

Genetics and Molecular Pathology, SA Pathology
Classification: Pathogenic for Lynch syndrome. Last evaluated: 2022-05-13. Review status: criteria provided, single submitter. Criteria: ACMG Guidelines, 2015. Collection method: clinical testing. Allele origin: germline. Affected: yes.

Diagnostic Molecular Genetics Laboratory, Memorial Sloan Kettering Cancer Center
Classification: Likely pathogenic for Lynch Syndrome. Last evaluated: 2022-01-12. Review status: criteria provided, single submitter. Criteria: ACMG Guidelines, 2015. Collection method: clinical testing. Allele origin: germline. Affected: yes.
Comment: The heterozygous germline variant, MSH6 c.4001G>C changes an Arginine to Proline at amino acid position 1334 (p.Arg1334Pro) and affects the last nucleotide of exon 9. This variant is absent from large population databases (1000 Genomes, ESP, and Broad ExAc). Computational prediction tools (SpliceSiteFinder, MaxEntScan, NNSPLICE and GeneSplicer) predict a complete loss of the intron 9 canonical splice donor site. Our functional study by RNA analysis (DMG internal data) demonstrated that this variant completely abolished normal splicing and caused exon 9 skipping, which is expected to lead to a prematurely truncated or abnormal protein. Our results indicate that this variant likely contributes to cancer predisposition through disruption of normal splicing, and is classified as likely pathogenic.

Literature cited by the submitters: PubMed 36691871 (cited by 3 submitters); PubMed 17576681 (cited by Labcorp Genetics (formerly Invitae), Labcorp); PubMed 9536098 (cited by Labcorp Genetics (formerly Invitae), Labcorp); PubMed 10508506 (cited by Labcorp Genetics (formerly Invitae), Labcorp); PubMed 21836479 (cited by Labcorp Genetics (formerly Invitae), Labcorp).

NM_000179.3(MSH6):c.4001G>C (p.Arg1334Pro)

Gene: MSH6 (mutS homolog 6; plus strand). Cytogenetic location: 2p16.3.
Variant type: single nucleotide variant.
Coding change: c.4001G>C on transcript NM_000179.3 (MANE Select); coding-DNA position 4001, G replaced by C.
Protein change: p.Arg1334Pro; replaces arginine 1334 with proline.
Molecular consequence: missense variant.
Genome position (GRCh38, 1-based): chr2:47,806,651, G>C. VCF-style: chr2-47806651-G-C. GRCh37 (hg19) VCF-style: chr2-48033790-G-C.
Other names: c.3611G>C, p.Arg1204Pro (NM_001281492.2); c.3095G>C, p.Arg1032Pro (NM_001281493.2, NM_001281494.2); short protein forms R1334P, R1204P, R1032P.
Identifiers: ClinVar variation 233214 (VCV000233214.21), dbSNP rs267608122, ClinGen allele CA10578173.
Genomic context (GRCh38, chr2:47,806,651, plus strand): 5'-AAAAGGGACATAGAAAAGCAAGAGAATTTGAGAAGATGAATCAGTCACTACGATTATTTC[G>C]GTAACTAACTAACTATAATGGAATTATAACTAACTGACCTTAAGTTTCAAAGAAACAGTA-3'
Protein context (NP_000170.1, residues 1324-1344): EKMNQSLRLF[Arg1334Pro]EVCLASERST